The following is an entry in ClinVar:

ClinVar aggregate classification (germline): Uncertain significance. Review status: criteria provided, multiple submitters, no conflicts (2 of 4 stars). 2 submissions from 2 submitters: Uncertain significance (2). Last evaluated 2025-10-14.

Conditions:
Propionic acidemia (PROP). Also called: GLYCINEMIA, KETOTIC; HYPERGLYCINEMIA WITH KETOACIDOSIS AND LEUKOPENIA; KETOTIC HYPERGLYCINEMIA. Identifiers: Orphanet 35, MedGen C0268579, MONDO:0011628, OMIM 606054, HP:0003571.
Inborn genetic diseases. Identifiers: MedGen C0950123, MeSH D030342.

Allele frequency attached by ClinVar (database versions not stated): ExAC 0.00002; gnomAD exomes 0.00002 and 0.00004; gnomAD 0.00003 and 0.00004; TOPMed 0.00004; ESP Exome Variant Server 0.00008.
gnomAD v4.1: 63 of 1,613,976 alleles (0.0039%); highest among the groups gnomAD compares: Non-Finnish European, 0.0047%; no homozygotes.

Submissions (2):

Ambry Genetics
Classification: Uncertain significance for Inborn genetic diseases. Last evaluated: 2025-10-14. Review status: criteria provided, single submitter. Criteria: Ambry Variant Classification Scheme 2023. Collection method: clinical testing. Allele origin: germline.

Labcorp Genetics (formerly Invitae), Labcorp
Classification: Uncertain significance for Propionic acidemia. Last evaluated: 2022-08-21. Review status: criteria provided, single submitter. Criteria: Invitae Variant Classification Sherloc (09022015). Collection method: clinical testing. Allele origin: germline.
Comment: This sequence change replaces isoleucine, which is neutral and non-polar, with threonine, which is neutral and polar, at codon 690 of the PCCA protein (p.Ile690Thr). This variant is present in population databases (rs376535469, gnomAD 0.004%). This variant has not been reported in the literature in individuals affected with PCCA-related conditions. ClinVar contains an entry for this variant (Variation ID: 1500770). Advanced modeling of protein sequence and biophysical properties (such as structural, functional, and spatial information, amino acid conservation, physicochemical variation, residue mobility, and thermodynamic stability) performed at Invitae indicates that this missense variant is expected to disrupt PCCA protein function. In summary, the available evidence is currently insufficient to determine the role of this variant in disease. Therefore, it has been classified as a Variant of Uncertain Significance.

NM_000282.4(PCCA):c.2069T>C (p.Ile690Thr)

Gene: PCCA (propionyl-CoA carboxylase subunit alpha; plus strand). Cytogenetic location: 13q32.3.
Variant type: single nucleotide variant.
Coding change: c.2069T>C on transcript NM_000282.4 (MANE Select); coding-DNA position 2069, T replaced by C.
Protein change: p.Ile690Thr; replaces isoleucine 690 with threonine.
Molecular consequence: missense variant. On other transcripts: non-coding transcript variant (5).
Genome position (GRCh38, 1-based): chr13:100,527,703, T>C. VCF-style: chr13-100527703-T-C. GRCh37 (hg19) VCF-style: chr13-101179957-T-C.
Other names: c.1991T>C, p.Ile664Thr (NM_001127692.3); c.1928T>C, p.Ile643Thr (NM_001178004.2); c.2015T>C, p.Ile672Thr (NM_001352605.2); c.1925T>C, p.Ile642Thr (NM_001352606.2); c.1850T>C, p.Ile617Thr (NM_001352607.2); c.1847T>C, p.Ile616Thr (NM_001352608.2); c.1124T>C, p.Ile375Thr (NM_001352610.2); c.1070T>C, p.Ile357Thr (NM_001352611.2); and 2 more; short protein forms I357T, I616T, I617T, I642T, I664T, I327T, I643T, I672T.
Identifiers: ClinVar variation 1500770 (VCV001500770.4), dbSNP rs376535469, ClinGen allele CA7033897.